The following is an entry in ClinVar:

ClinVar aggregate classification (germline): Uncertain significance (1 of 4 stars; one submission).

gnomAD v4.1: 2 of 1,578,290 alleles (0.00013%); highest among the groups gnomAD compares: Non-Finnish European, 0.000086%; no homozygotes.

Submission:

Labcorp Genetics (formerly Invitae), Labcorp
Classification: Uncertain significance. Last evaluated: 2025-07-16. Review status: criteria provided, single submitter. Criteria: Invitae Variant Classification Sherloc (09022015). Collection method: clinical testing. Allele origin: germline.
Comment: This sequence change replaces arginine, which is basic and polar, with leucine, which is neutral and non-polar, at codon 3052 of the DCHS1 protein (p.Arg3052Leu). This variant is not present in population databases (gnomAD no frequency). This variant has not been reported in the literature in individuals affected with DCHS1-related conditions. Invitae Evidence Modeling of protein sequence and biophysical properties (such as structural, functional, and spatial information, amino acid conservation, physicochemical variation, residue mobility, and thermodynamic stability) indicates that this missense variant is not expected to disrupt DCHS1 protein function with a negative predictive value of 95%. In summary, the available evidence is currently insufficient to determine the role of this variant in disease. Therefore, it has been classified as a Variant of Uncertain Significance.

NM_003737.4(DCHS1):c.9155G>T (p.Arg3052Leu)

Genes: DCHS1 (dachsous cadherin-related 1; minus strand), LOC130005209 (ATAC-STARR-seq lymphoblastoid active region 4351; plus strand). Cytogenetic location: 11p15.4.
Variant type: single nucleotide variant.
Coding change: c.9155G>T on transcript NM_003737.4 (MANE Select); coding-DNA position 9155, G replaced by T.
Protein change: p.Arg3052Leu; replaces arginine 3052 with leucine.
Molecular consequence: missense variant.
Genome position (GRCh38, 1-based): chr11:6,622,521, C>A on the plus strand (G>T on the coding strand, the complement: DCHS1 is on the minus strand). VCF-style: chr11-6622521-C-A. GRCh37 (hg19) VCF-style: chr11-6643752-C-A.
Other names: short protein forms R3052L.
Identifiers: ClinVar variation 4803240 (VCV004803240.1).